The following is an entry in ClinVar:

NM_015192.4(PLCB1):c.1469A>G (p.Tyr490Cys)

Gene: PLCB1 (phospholipase C beta 1; plus strand). Cytogenetic location: 20p12.3.
Variant type: single nucleotide variant.
Coding change: c.1469A>G on transcript NM_015192.4 (MANE Select); coding-DNA position 1469, A replaced by G.
Protein change: p.Tyr490Cys; replaces tyrosine 490 with cysteine.
Molecular consequence: missense variant.
Genome position (GRCh38, 1-based): chr20:8,717,804, A>G. VCF-style: chr20-8717804-A-G. GRCh37 (hg19) VCF-style: chr20-8698451-A-G.
Other names: p.Tyr490Cys; c.1469A>G, p.Tyr490Cys (NM_182734.3); short protein forms Y490C.
Identifiers: ClinVar variation 129902 (VCV000129902.104), dbSNP rs45608240, ClinGen allele CA205039.
Genomic context (GRCh38, chr20:8,717,804, plus strand): 5'-CACACAAGTCATCAGAAGGAAGCGGCAAAAAGAAGCTCTCAGAACAAGCCTCCAACACCT[A>G]CAGTGACTCCTCCAGCATGTTCGAGCCCTCATCCCCAGGAGCCGGTGAGGGGCTGGTGGG-3'
Protein context (NP_056007.1, residues 480-500): KKLSEQASNT[Tyr490Cys]SDSSSMFEPS

ClinVar aggregate classification (germline): Benign/Likely benign. Review status: criteria provided, multiple submitters, no conflicts (2 of 4 stars). 11 submissions from 11 submitters: Benign (4); Likely benign (6). 1 of the submissions does not count toward it. Last evaluated 2026-08-01.

Conditions:
PLCB1-related disorder. Also called: PLCB1-related condition.
Inborn genetic diseases. Identifiers: MedGen C0950123, MeSH D030342.
Developmental and epileptic encephalopathy, 12 (DEE12). Identifiers: MedGen C3150988, MONDO:0013389, OMIM 613722.

Allele frequency attached by ClinVar (database versions not stated): gnomAD 0.00365 and 0.00391; TOPMed 0.00401; 1000 Genomes Project 0.00140; 1000 Genomes Project 30x 0.00141; gnomAD exomes 0.00354 and 0.00608; ExAC 0.00356; ESP Exome Variant Server 0.00477.
gnomAD v4.1: 9,443 of 1,613,838 alleles (0.59%); highest among the groups gnomAD compares: Non-Finnish European, 0.72%; 25 homozygotes.

Submissions (11):

CeGaT Center for Human Genetics Tuebingen
Classification: Likely benign. Last evaluated: 2026-08-01. Review status: criteria provided, single submitter. Criteria: CeGaT Center For Human Genetics Tuebingen Variant Classification Criteria Version 2. Collection method: clinical testing. Allele origin: germline. Affected: yes. Observed: 32 variant alleles.
Comment: PLCB1: BP4, BS2

Labcorp Genetics (formerly Invitae), Labcorp
Classification: Benign for Developmental and epileptic encephalopathy, 12. Last evaluated: 2026-02-02. Review status: criteria provided, single submitter. Criteria: Invitae Variant Classification Sherloc (09022015). Collection method: clinical testing. Allele origin: germline.

Blueprint Genetics
Classification: Likely benign. Last evaluated: 2024-11-28. Review status: criteria provided, single submitter. Criteria: ACMG Guidelines, 2015. Collection method: clinical testing. Allele origin: germline.

GeneDx
Classification: Benign. Last evaluated: 2020-12-21. Review status: criteria provided, single submitter. Criteria: GeneDx Variant Classification Process June 2021. Collection method: clinical testing. Allele origin: germline. Affected: yes.
Comment: This variant is associated with the following publications: (PMID: 32970752)

Mayo Clinic Laboratories, Mayo Clinic
Classification: Benign. Last evaluated: 2018-06-28. Review status: criteria provided, single submitter. Criteria: ACMG Guidelines, 2015. Collection method: clinical testing. Allele origin: germline. Observed: 6 variant alleles.

Ambry Genetics
Classification: Benign for Inborn genetic diseases. Last evaluated: 2018-01-17. Review status: criteria provided, single submitter. Criteria: Ambry Variant Classification Scheme 2023. Collection method: clinical testing. Allele origin: germline.

Eurofins Ntd Llc (ga)
Classification: Likely benign. Last evaluated: 2017-11-27. Review status: criteria provided, single submitter. Criteria: EGL Classification Definitions 2015. Collection method: clinical testing. Allele origin: germline. Observed: 3 variant alleles, 3 heterozygotes.

Clinical Genetics DNA and cytogenetics Diagnostics Lab, Erasmus MC, Erasmus Medical Center
Classification: Likely benign for Developmental and epileptic encephalopathy, 12. Last evaluated: 2017-11-14. Review status: criteria provided, single submitter. Criteria: ACGS Guidelines, 2013. Collection method: clinical testing. Allele origin: germline. Affected: yes. Study: VKGL Data-share Consensus.

Genetic Services Laboratory, University of Chicago
Classification: Likely benign. Last evaluated: 2015-05-27. Review status: criteria provided, single submitter. Criteria: ACMG Guidelines, 2015. Collection method: clinical testing. Allele origin: germline.

Genome Diagnostics Laboratory, University Medical Center Utrecht
Classification: Likely benign for Developmental and epileptic encephalopathy, 12. Last evaluated: 2015-05-12. Review status: criteria provided, single submitter. Criteria: ACGS Guidelines, 2013. Collection method: clinical testing. Allele origin: germline. Affected: yes. Study: VKGL Data-share Consensus.

PreventionGenetics, part of Exact Sciences
Classification: Likely benign for PLCB1-related condition. Last evaluated: 2023-11-22. Review status: no assertion criteria provided. Collection method: clinical testing. Allele origin: germline. Not counted in ClinVar's aggregate classification.
Comment: This variant is classified as likely benign based on ACMG/AMP sequence variant interpretation guidelines (Richards et al. 2015 PMID: 25741868, with internal and published modifications).